The following is an entry in ClinVar:

NM_000422.3(KRT17):c.281G>T (p.Arg94Leu)

Gene: KRT17 (keratin 17; minus strand). Cytogenetic location: 17q21.2.
Variant type: single nucleotide variant.
Coding change: c.281G>T on transcript NM_000422.3 (MANE Select); coding-DNA position 281, G replaced by T.
Protein change: p.Arg94Leu; replaces arginine 94 with leucine.
Molecular consequence: missense variant.
Genome position (GRCh38, 1-based): chr17:41,624,229, C>A on the plus strand (G>T on the coding strand, the complement: KRT17 is on the minus strand). VCF-style: chr17-41624229-C-A. GRCh37 (hg19) VCF-style: chr17-39780481-C-A.
Other names: short protein forms R94L.
Identifiers: ClinVar variation 4709806 (VCV004709806.2).

ClinVar aggregate classification (germline): Likely pathogenic. Review status: criteria provided, multiple submitters, no conflicts (2 of 4 stars). 2 submissions from 2 submitters: Likely pathogenic (2). Last evaluated 2025-02-26.

Conditions:
KRT17-related disorders.

Submissions (2):

Labcorp Genetics (formerly Invitae), Labcorp
Classification: Likely pathogenic. Last evaluated: 2025-02-26. Review status: criteria provided, single submitter. Criteria: Invitae Variant Classification Sherloc (09022015). Collection method: clinical testing. Allele origin: germline.
Comment: This sequence change replaces arginine, which is basic and polar, with leucine, which is neutral and non-polar, at codon 94 of the KRT17 protein (p.Arg94Leu). This variant is not present in population databases (gnomAD no frequency). This missense change has been observed in individual(s) with steatocystoma multiplex (internal data). Invitae Evidence Modeling of protein sequence and biophysical properties (such as structural, functional, and spatial information, amino acid conservation, physicochemical variation, residue mobility, and thermodynamic stability) indicates that this missense variant is expected to disrupt KRT17 protein function with a positive predictive value of 95%. This variant disrupts the p.Arg94 amino acid residue in KRT17. Other variant(s) that disrupt this residue have been determined to be pathogenic (PMID: 9767294, 25946540, 26165312, 29218738, 31823354). This suggests that this residue is clinically significant, and that variants that disrupt this residue are likely to be disease-causing. In summary, the currently available evidence indicates that the variant is pathogenic, but additional data are needed to prove that conclusively. Therefore, this variant has been classified as Likely Pathogenic.

Blueprint Genetics
Classification: Likely pathogenic for KRT17-related disorders. Last evaluated: 2019-07-22. Review status: criteria provided, single submitter. Criteria: ACMG Guidelines, 2015. Collection method: clinical testing. Allele origin: germline. Affected: yes. Observed: 1 variant allele.

Literature cited by the submitters: PubMed 9767294 (cited by Labcorp Genetics (formerly Invitae), Labcorp); PubMed 25946540 (cited by Labcorp Genetics (formerly Invitae), Labcorp); PubMed 26165312 (cited by Labcorp Genetics (formerly Invitae), Labcorp); PubMed 29218738 (cited by Labcorp Genetics (formerly Invitae), Labcorp); PubMed 31823354 (cited by Labcorp Genetics (formerly Invitae), Labcorp).